The following is an entry in ClinVar:

ClinVar aggregate classification (germline): Uncertain significance. Review status: criteria provided, multiple submitters, no conflicts (2 of 4 stars). 2 submissions from 2 submitters: Uncertain significance (2). Last evaluated 2020-03-05.

Conditions:
Seizures, benign familial infantile, 3 (BFIS3). Also called: CONVULSIONS, BENIGN FAMILIAL INFANTILE, 3; Familial neonatal seizures. Identifiers: Orphanet 140927, Orphanet 306, MedGen C1843140, MONDO:0011904, OMIM 607745.
Developmental and epileptic encephalopathy, 11 (DEE11). Also called: Early infantile epileptic encephalopathy 11. Identifiers: Orphanet 1934, MedGen C3150987, MONDO:0013388, OMIM 613721.

Submissions (2):

Labcorp Genetics (formerly Invitae), Labcorp
Classification: Uncertain significance for Seizures, benign familial infantile, 3; Developmental and epileptic encephalopathy, 11. Last evaluated: 2020-03-05. Review status: criteria provided, single submitter. Criteria: Invitae Variant Classification Sherloc (09022015). Collection method: clinical testing. Allele origin: germline.
Comment: Nucleotide substitutions within the consensus splice site are a relatively common cause of aberrant splicing (PMID: 17576681, 9536098). Algorithms developed to predict the effect of sequence changes on RNA splicing suggest that this variant may disrupt the consensus splice site, but this prediction has not been confirmed by published transcriptional studies. In summary, the available evidence is currently insufficient to determine the role of this variant in disease. Therefore, it has been classified as a Variant of Uncertain Significance. This variant has not been reported in the literature in individuals with SCN2A-related conditions. This variant is not present in population databases (ExAC no frequency). This sequence change falls in intron 5 of the SCN2A gene. It does not directly change the encoded amino acid sequence of the SCN2A protein, but it affects a nucleotide within the consensus splice site of the intron.

GeneDx
Classification: Uncertain significance. Last evaluated: 2019-12-20. Review status: criteria provided, single submitter. Criteria: GeneDx Variant Classification Process June 2021. Collection method: clinical testing. Allele origin: germline. Affected: yes.
Comment: Not observed in large population cohorts (Lek et al., 2016); In silico analysis, which includes splice predictors and evolutionary conservation, supports a deleterious effect; Has not been previously published as pathogenic or benign to our knowledge

Literature cited by the submitters: PubMed 17576681 (cited by Labcorp Genetics (formerly Invitae), Labcorp); PubMed 9536098 (cited by Labcorp Genetics (formerly Invitae), Labcorp).

NM_001040142.2(SCN2A):c.605+4_605+7del

Gene: SCN2A (sodium voltage-gated channel alpha subunit 2; plus strand). Cytogenetic location: 2q24.3.
Variant type: Deletion.
Coding change: c.605+4_605+7del on transcript NM_001040142.2 (MANE Select); bases 4 to 7 of the intron after coding-DNA position 605, 4 bases deleted (AGTA; older notation c.605+4_605+7delAGTA).
Molecular consequence: splice donor variant.
Genome position (GRCh38, 1-based): chr2:165,308,798-165,308,801, AGTA deleted; deleting any 4 consecutive bases within chr2:165,308,795-165,308,801 gives the same sequence; the c. name uses the placement nearest the transcript's 3' end. VCF-style (leftmost placement, unchanged base first): chr2-165308794-CGTAA-C. GRCh37 (hg19) VCF-style: chr2-166165304-CGTAA-C.
Other names: c.605+4_605+7del (NM_001040143.2, NM_001371246.1, NM_001371247.1 and 1 more transcripts).
Identifiers: ClinVar variation 962112 (VCV000962112.9), dbSNP rs1697274160, ClinGen allele CA1139657281.
Genomic context (GRCh38, chr2:165,308,794, plus strand): 5'-AAGATTTCACATTTTTACGGGATCCATGGAATTGGTTGGATTTCACAGTCATTACTTTTG[CGTAA>C]GTATCTTAATACATTTTCTATCCTGGAAGAGTAAATCACTGGTGGGAGCCTATACTATAT-3'